The following is an entry in ClinVar:

NM_015338.6(ASXL1):c.1774C>G (p.Gln592Glu)

Gene: ASXL1 (ASXL transcriptional regulator 1; plus strand). Cytogenetic location: 20q11.21.
Variant type: single nucleotide variant.
Coding change: c.1774C>G on transcript NM_015338.6 (MANE Select); coding-DNA position 1774, C replaced by G.
Protein change: p.Gln592Glu; replaces glutamine 592 with glutamic acid.
Molecular consequence: missense variant.
Genome position (GRCh38, 1-based): chr20:32,434,486, C>G. VCF-style: chr20-32434486-C-G. GRCh37 (hg19) VCF-style: chr20-31022289-C-G.
Other names: c.1774C>G (NM_015338.5); c.1591C>G, p.Gln531Glu (NM_001363734.1); short protein forms Q531E, Q592E.
Identifiers: ClinVar variation 1496597 (VCV001496597.7), dbSNP rs951716574, ClinGen allele CA408557898.

ClinVar aggregate classification (germline): Uncertain significance. Review status: criteria provided, multiple submitters, no conflicts (2 of 4 stars). 2 submissions from 2 submitters: Uncertain significance (2). Last evaluated 2025-05-19.

Conditions:
Inborn genetic diseases. Identifiers: MedGen C0950123, MeSH D030342.

Submissions (2):

Ambry Genetics
Classification: Uncertain significance for Inborn genetic diseases. Last evaluated: 2025-05-19. Review status: criteria provided, single submitter. Criteria: Ambry Variant Classification Scheme 2023. Collection method: clinical testing. Allele origin: germline.
Comment: The p.Q592E variant (also known as c.1774C>G), located in coding exon 13 of the ASXL1 gene, results from a C to G substitution at nucleotide position 1774. The glutamine at codon 592 is replaced by glutamic acid, an amino acid with highly similar properties. This amino acid position is conserved. In addition, this alteration is predicted to be tolerated by in silico analysis. Based on the available evidence, the clinical significance of this variant remains unclear.

Labcorp Genetics (formerly Invitae), Labcorp
Classification: Uncertain significance. Last evaluated: 2024-09-15. Review status: criteria provided, single submitter. Criteria: Invitae Variant Classification Sherloc (09022015). Collection method: clinical testing. Allele origin: germline.
Comment: This sequence change replaces glutamine, which is neutral and polar, with glutamic acid, which is acidic and polar, at codon 592 of the ASXL1 protein (p.Gln592Glu). This variant is not present in population databases (gnomAD no frequency). This variant has not been reported in the literature in individuals affected with ASXL1-related conditions. ClinVar contains an entry for this variant (Variation ID: 1496597). An algorithm developed to predict the effect of missense changes on protein structure and function (PolyPhen-2) suggests that this variant is likely to be tolerated. In summary, the available evidence is currently insufficient to determine the role of this variant in disease. Therefore, it has been classified as a Variant of Uncertain Significance.